The following is an entry in ClinVar:

NM_020975.6(RET):c.2637C>T (p.Asn879=)

Gene: RET (ret proto-oncogene; plus strand). Cytogenetic location: 10q11.21.
Variant type: single nucleotide variant.
Coding change: c.2637C>T on transcript NM_020975.6 (MANE Select); coding-DNA position 2637, C replaced by T.
Protein change: p.Asn879=; no amino-acid change (asparagine 879 retained).
Molecular consequence: synonymous variant.
Genome position (GRCh38, 1-based): chr10:43,120,110, C>T. VCF-style: chr10-43120110-C-T. GRCh37 (hg19) VCF-style: chr10-43615558-C-T.
Other names: c.2637C>T, p.Asn879= (NM_000323.2, NM_001406743.1, NM_001406744.1 and 4 more transcripts); c.1875C>T, p.Asn625= (NM_001355216.2); c.2508C>T, p.Asn836= (NM_001406761.1, NM_001406762.1, NM_001406764.1); c.2502C>T, p.Asn834= (NM_001406763.1, NM_001406765.1); c.2349C>T, p.Asn783= (NM_001406766.1, NM_001406767.1, NM_001406770.1); c.2373C>T, p.Asn791= (NM_001406768.1); c.2241C>T, p.Asn747= (NM_001406769.1, NM_001406772.1); c.2199C>T, p.Asn733= (NM_001406771.1, NM_001406773.1); and 10 more.
Identifiers: ClinVar variation 1631219 (VCV001631219.12), dbSNP rs1363015786, ClinGen allele CA376557110.
Genomic context (GRCh38, chr10:43,120,110, plus strand): 5'-GCCTGACGACTCGTGCTATTTTTCCTCACAGCTCGTTCATCGGGACTTGGCAGCCAGAAA[C>T]ATCCTGGTAGCTGAGGGGCGGAAGATGAAGATTTCGGATTTCGGCTTGTCCCGAGATGTT-3'
Protein context (NP_066124.1, residues 869-889): KLVHRDLAAR[Asn879=]ILVAEGRKMK

ClinVar aggregate classification (germline): Benign/Likely benign. Review status: criteria provided, multiple submitters, no conflicts (2 of 4 stars). 3 submissions from 3 submitters: Benign (1); Likely benign (2). Last evaluated 2025-02-27.

Conditions:
Hereditary cancer-predisposing syndrome. Also called: Neoplastic Syndromes, Hereditary; Tumor predisposition; Hereditary Cancer Syndrome; Hereditary neoplastic syndrome. Identifiers: Orphanet 140162, MedGen C0027672, MeSH D009386, MONDO:0015356.
Multiple endocrine neoplasia, type 2 (MEN2). Identifiers: Orphanet 653, MedGen C4048306, MONDO:0019003. Disease mechanism: gain of function.
Multiple endocrine neoplasia type 2A. Also called: Multiple Endocrine Neoplasia Type 2A (MEN2A); MULTIPLE ENDOCRINE NEOPLASIA, TYPE IIA; PTC SYNDROME; SIPPLE SYNDROME; MEN 2A; MEN-2A syndrome. Identifiers: Orphanet 247698, Orphanet 653, MedGen C0025268, MeSH D018813, MONDO:0008234, OMIM 171400.

Allele frequency attached by ClinVar (database versions not stated): gnomAD exomes below 0.00001.
gnomAD v4.1: 1 of 1,614,026 alleles (0.000062%); highest among the groups gnomAD compares: South Asian, 0.0011%; no homozygotes.

Submissions (3):

Myriad Genetics, Inc.
Classification: Benign for Multiple endocrine neoplasia type 2A. Last evaluated: 2025-02-27. Review status: criteria provided, single submitter. Criteria: Myriad Autosomal Dominant, Autosomal Recessive and X-Linked Classification Criteria (2023). Collection method: clinical testing. Allele origin: unknown.
Comment: This variant is considered benign. This variant is a silent/synonymous amino acid change and it is not expected to impact splicing.

Labcorp Genetics (formerly Invitae), Labcorp
Classification: Likely benign for Multiple endocrine neoplasia, type 2. Last evaluated: 2023-12-31. Review status: criteria provided, single submitter. Criteria: Invitae Variant Classification Sherloc (09022015). Collection method: clinical testing. Allele origin: germline.

Ambry Genetics
Classification: Likely benign for Hereditary cancer-predisposing syndrome. Last evaluated: 2021-06-25. Review status: criteria provided, single submitter. Criteria: Ambry Variant Classification Scheme 2023. Collection method: clinical testing. Allele origin: germline.